The following is an entry in ClinVar:

NM_017612.5(ZCCHC8):c.573C>G (p.Asn191Lys)

Gene: ZCCHC8 (zinc finger CCHC-type containing 8; minus strand). Cytogenetic location: 12q24.31.
Variant type: single nucleotide variant.
Coding change: c.573C>G on transcript NM_017612.5 (MANE Select); coding-DNA position 573, C replaced by G.
Protein change: p.Asn191Lys; replaces asparagine 191 with lysine.
Molecular consequence: missense variant. On other transcripts: intron variant (3).
Genome position (GRCh38, 1-based): chr12:122,483,492, G>C on the plus strand (C>G on the coding strand, the complement: ZCCHC8 is on the minus strand). VCF-style: chr12-122483492-G-C. GRCh37 (hg19) VCF-style: chr12-122968039-G-C.
Other names: c.276C>G, p.Asn92Lys (NM_001350936.2); c.-43-797C>G (NM_001350938.2, NM_001350937.2); c.502-1405C>G (NM_001350935.2); short protein forms N92K, N191K.
Identifiers: ClinVar variation 3690503 (VCV003690503.2).

ClinVar aggregate classification (germline): Uncertain significance (1 of 4 stars; one submission).

Submission:

Labcorp Genetics (formerly Invitae), Labcorp
Classification: Uncertain significance. Last evaluated: 2024-10-17. Review status: criteria provided, single submitter. Criteria: Invitae Variant Classification Sherloc (09022015). Collection method: clinical testing. Allele origin: germline.
Comment: This sequence change replaces asparagine, which is neutral and polar, with lysine, which is basic and polar, at codon 191 of the ZCCHC8 protein (p.Asn191Lys). This variant is not present in population databases (gnomAD no frequency). This variant has not been reported in the literature in individuals affected with ZCCHC8-related conditions. Invitae Evidence Modeling of protein sequence and biophysical properties (such as structural, functional, and spatial information, amino acid conservation, physicochemical variation, residue mobility, and thermodynamic stability) indicates that this missense variant is expected to disrupt ZCCHC8 protein function with a positive predictive value of 80%. In summary, the available evidence is currently insufficient to determine the role of this variant in disease. Therefore, it has been classified as a Variant of Uncertain Significance.